The following is an entry in ClinVar:

NM_005475.3(SH2B3):c.715C>T (p.Leu239Phe)

Gene: SH2B3 (SH2B adaptor protein 3; plus strand). Cytogenetic location: 12q24.12.
Variant type: single nucleotide variant.
Coding change: c.715C>T on transcript NM_005475.3 (MANE Select); coding-DNA position 715, C replaced by T.
Protein change: p.Leu239Phe; replaces leucine 239 with phenylalanine.
Molecular consequence: missense variant.
Genome position (GRCh38, 1-based): chr12:111,418,860, C>T. VCF-style: chr12-111418860-C-T. GRCh37 (hg19) VCF-style: chr12-111856664-C-T.
Other names: short protein forms L239F.
Identifiers: ClinVar variation 4630772 (VCV004630772.1).

ClinVar aggregate classification (germline): Uncertain significance (1 of 4 stars; one submission).

Conditions:
Inborn genetic diseases. Identifiers: MedGen C0950123, MeSH D030342.

gnomAD v4.1: 2 of 1,414,016 alleles (0.00014%); highest among the groups gnomAD compares: Admixed American, 0.0069%; no homozygotes.

Submission:

Ambry Genetics
Classification: Uncertain significance for Inborn genetic diseases. Last evaluated: 2025-11-29. Review status: criteria provided, single submitter. Criteria: Ambry Variant Classification Scheme 2023. Collection method: clinical testing. Allele origin: germline.
Comment: The p.L239F variant (also known as c.715C>T), located in coding exon 1 of the SH2B3 gene, results from a C to T substitution at nucleotide position 715. The leucine at codon 239 is replaced by phenylalanine, an amino acid with highly similar properties. This amino acid position is conserved. In addition, this alteration is predicted to be tolerated by in silico analysis. Based on the available evidence, the clinical significance of this variant remains unclear.